The following is an entry in ClinVar:

ClinVar aggregate classification (germline): Benign/Likely benign. Review status: criteria provided, multiple submitters, no conflicts (2 of 4 stars). 3 submissions from 3 submitters: Benign (2); Likely benign (1). Last evaluated 2026-02-02.

Conditions:
Dystonia 16 (DYT16). Also called: DYT-PRKRA. Identifiers: Orphanet 210571, MedGen C2677567, MONDO:0012789, OMIM 612067.

Submissions (3):

Labcorp Genetics (formerly Invitae), Labcorp
Classification: Benign for Dystonia 16. Last evaluated: 2026-02-02. Review status: criteria provided, single submitter. Criteria: Invitae Variant Classification Sherloc (09022015). Collection method: clinical testing. Allele origin: germline.

Mayo Clinic Laboratories, Mayo Clinic
Classification: Benign. Last evaluated: 2023-03-16. Review status: criteria provided, single submitter. Criteria: ACMG Guidelines, 2015. Collection method: clinical testing. Allele origin: germline. Observed: 4 variant alleles.
Comment: BS1, BS2

GeneDx
Classification: Likely benign. Last evaluated: 2022-03-04. Review status: criteria provided, single submitter. Criteria: GeneDx Variant Classification Process June 2021. Collection method: clinical testing. Allele origin: germline. Affected: yes.

NM_003690.5(PRKRA):c.515-11del

Gene: PRKRA (protein activator of interferon induced protein kinase EIF2AK2; minus strand). Cytogenetic location: 2q31.2.
Variant type: Deletion.
Coding change: c.515-11del on transcript NM_003690.5 (MANE Select); 11 bases into the intron before coding-DNA position 515, one base deleted (T; older notation c.515-11delT).
Molecular consequence: intron variant.
Genome position (GRCh38, 1-based): chr2:178,441,715, A deleted on the plus strand (T on the coding strand, the reverse complement: PRKRA is on the minus strand); the first of 5 consecutive A bases (chr2:178,441,715-178,441,719); deleting any one gives the same sequence. VCF-style (leftmost placement, unchanged base first): chr2-178441714-GA-G. GRCh37 (hg19) VCF-style: chr2-179306441-GA-G.
Other names: p.?; c.176-11del (NM_001316362.2); c.482-11del (NM_001139517.1); c.440-11del (NM_001139518.1).
Identifiers: ClinVar variation 332627 (VCV000332627.16), dbSNP rs199996045, ClinGen allele CA1983871.
Genomic context (GRCh38, chr2:178,441,714, plus strand): 5'-GAAATTTCTCAGCAGCATTCCTTTTGGCTTGCTTTTTTGATGCCCCCTTTCCTGAACAAA[GA>G]AAAAGAAATGGTAGATTTAGAAAAGAAATTAGTGTCCACAGAGGATGATCAAACGTATGA-3'